The following is an entry in ClinVar:

ClinVar aggregate classification (germline): Uncertain significance (1 of 4 stars; one submission).

gnomAD v4.1: 1 of 1,573,394 alleles (0.000064%); highest among the groups gnomAD compares: Non-Finnish European, 0.000086%; no homozygotes.

Submission:

Ambry Genetics
Classification: Uncertain significance. Last evaluated: 2025-02-09. Review status: criteria provided, single submitter. Criteria: Ambry Variant Classification Scheme 2023. Collection method: clinical testing. Allele origin: germline.
Comment: The p.G684D variant (also known as c.2051G>A), located in coding exon 9 of the WNK2 gene, results from a G to A substitution at nucleotide position 2051. The glycine at codon 684 is replaced by aspartic acid, an amino acid with similar properties. This amino acid position is conserved. In addition, this alteration is predicted to be tolerated by in silico analysis. Based on the available evidence, the clinical significance of this variant remains unclear.

NM_006648.4(WNK2):c.2051G>A (p.Gly684Asp)

Gene: WNK2 (WNK lysine deficient protein kinase 2; plus strand). Cytogenetic location: 9q22.31.
Variant type: single nucleotide variant.
Coding change: c.2051G>A on transcript NM_006648.4 (MANE Select); coding-DNA position 2051, G replaced by A.
Protein change: p.Gly684Asp; replaces glycine 684 with aspartic acid.
Molecular consequence: missense variant.
Genome position (GRCh38, 1-based): chr9:93,256,315, G>A. VCF-style: chr9-93256315-G-A. GRCh37 (hg19) VCF-style: chr9-96018597-G-A.
Other names: c.2051G>A, p.Gly684Asp (NM_001282394.3); short protein forms G684D.
Identifiers: ClinVar variation 3817050 (VCV003817050.1).